The following is an entry in ClinVar:

ClinVar aggregate classification (germline): Benign (1 of 4 stars; one submission).

Allele frequency attached by ClinVar (database versions not stated): TOPMed 0.03582; gnomAD 0.03833 and 0.03971; 1000 Genomes Project 30x 0.05012; 1000 Genomes Project 0.05431.
gnomAD v4.1: 6,025 of 152,164 alleles (4%); highest among the groups gnomAD compares: East Asian, 17%; 222 homozygotes.

Submission:

GeneDx
Classification: Benign. Last evaluated: 2018-06-19. Review status: criteria provided, single submitter. Criteria: GeneDx Variant Classification (06012015). Collection method: clinical testing. Allele origin: germline. Affected: yes.
Comment: This variant is considered likely benign or benign based on one or more of the following criteria: it is a conservative change, it occurs at a poorly conserved position in the protein, it is predicted to be benign by multiple in silico algorithms, and/or has population frequency not consistent with disease.

NM_020745.4(AARS2):c.2598+227G>A

Gene: AARS2 (alanyl-tRNA synthetase 2, mitochondrial; minus strand). Cytogenetic location: 6p21.1.
Variant type: single nucleotide variant.
Coding change: c.2598+227G>A on transcript NM_020745.4 (MANE Select); 227 bases into the intron after coding-DNA position 2598, G replaced by A.
Molecular consequence: intron variant.
Genome position (GRCh38, 1-based): chr6:44,301,833, C>T on the plus strand (G>A on the coding strand, the complement: AARS2 is on the minus strand). VCF-style: chr6-44301833-C-T. GRCh37 (hg19) VCF-style: chr6-44269570-C-T.
Identifiers: ClinVar variation 669921 (VCV000669921.1), dbSNP rs2236500, ClinGen allele CA138384676.
Genomic context (GRCh38, chr6:44,301,833, plus strand): 5'-GGGGATCCACAGTGGAGGTGCAATCAGGGCTGAATGGCACTAATCAAGTCAGTAGGCTTC[C>T]GGGGGTTCTGAGCCAGACTTGGGAGTTGGGGGAGAAACACAGTTTGAAAGAGACAGAAGT-3'